The following is an entry in ClinVar:

NM_000053.4(ATP7B):c.3700-3T>C

Gene: ATP7B (ATPase copper transporting beta; minus strand). Cytogenetic location: 13q14.3.
Variant type: single nucleotide variant.
Coding change: c.3700-3T>C on transcript NM_000053.4 (MANE Select); 3 bases into the intron before coding-DNA position 3700, T replaced by C.
Molecular consequence: intron variant.
Genome position (GRCh38, 1-based): chr13:51,937,682, A>G on the plus strand (T>C on the coding strand, the complement: ATP7B is on the minus strand). VCF-style: chr13-51937682-A-G. GRCh37 (hg19) VCF-style: chr13-52511818-A-G.
Other names: c.3466-3T>C (NM_001330578.2, NM_001406527.1, NM_001406528.1); c.3556-3T>C (NM_001406520.1, NM_001406521.1, NM_001406522.1); c.3370-3T>C (NM_001406535.1, NM_001406536.1); c.3565-3T>C (NM_001406519.1); c.3646-3T>C (NM_001406515.1, NM_001406516.1); c.3505-3T>C (NM_001406525.1); c.3517-3T>C (NM_001406523.1); c.3700-289T>C (NM_001406526.1); and 21 more.
Identifiers: ClinVar variation 3069493 (VCV003069493.2), dbSNP rs2138592787, ClinGen allele CA2623119405.

ClinVar aggregate classification (germline): Likely benign. Review status: criteria provided, multiple submitters, no conflicts (2 of 4 stars). 2 submissions from 2 submitters: Likely benign (2). Last evaluated 2023-03-09.

Conditions:
Wilson disease (WND). Also called: Wilson's disease. Identifiers: Orphanet 905, MedGen C0019202, MONDO:0010200, OMIM 277900. Disease mechanism: loss of function.

gnomAD v4.1: 1 of 1,614,152 alleles (0.000062%); highest among the groups gnomAD compares: Non-Finnish European, 0.000085%; no homozygotes.

Submissions (2):

All of Us Research Program, National Institutes of Health
Classification: Likely benign for Wilson disease. Last evaluated: 2023-03-09. Review status: criteria provided, single submitter. Criteria: ACMG Guidelines, 2015. Collection method: clinical testing. Allele origin: germline. Inheritance: Autosomal recessive inheritance. Observed: 2 variant alleles, 2 heterozygotes.
Comment: This study involves interpretation of variants in research participants for the purpose of population health screening. Participant phenotype was not available at the time of variant classification. Additional details can be found in publication PMID: 35346344, PMCID: PMC8962531

Color Diagnostics, LLC DBA Color Health
Classification: Likely benign for Wilson disease. Last evaluated: 2022-08-18. Review status: criteria provided, single submitter. Criteria: ACMG Guidelines, 2015. Collection method: clinical testing. Allele origin: germline.